The following is an entry in ClinVar:

ClinVar aggregate classification (germline): Uncertain significance (1 of 4 stars; one submission).

Conditions:
Inborn genetic diseases. Identifiers: MedGen C0950123, MeSH D030342.

Submission:

Ambry Genetics
Classification: Uncertain significance for Inborn genetic diseases. Last evaluated: 2024-11-25. Review status: criteria provided, single submitter. Criteria: Ambry Variant Classification Scheme 2023. Collection method: clinical testing. Allele origin: germline.
Comment: The p.L478I variant (also known as c.1432C>A), located in coding exon 11 of the CEP57 gene, results from a C to A substitution at nucleotide position 1432. The leucine at codon 478 is replaced by isoleucine, an amino acid with highly similar properties. This amino acid position is conserved. In addition, this alteration is predicted to be tolerated by in silico analysis. Based on the available evidence, the clinical significance of this variant remains unclear.

NM_014679.5(CEP57):c.1432C>A (p.Leu478Ile)

Gene: CEP57 (centrosomal protein 57; plus strand). Cytogenetic location: 11q21.
Variant type: single nucleotide variant.
Coding change: c.1432C>A on transcript NM_014679.5 (MANE Select); coding-DNA position 1432, C replaced by A.
Protein change: p.Leu478Ile; replaces leucine 478 with isoleucine.
Molecular consequence: missense variant.
Genome position (GRCh38, 1-based): chr11:95,831,185, C>A. VCF-style: chr11-95831185-C-A. GRCh37 (hg19) VCF-style: chr11-95564349-C-A.
Other names: c.1405C>A, p.Leu469Ile (NM_001243776.2); c.1354C>A, p.Leu452Ile (NM_001243777.2); c.1351C>A, p.Leu451Ile (NM_001363604.2); short protein forms L478I, L451I, L469I, L452I.
Identifiers: ClinVar variation 3490837 (VCV003490837.1).
Genomic context (GRCh38, chr11:95,831,185, plus strand): 5'-GGGACCACAAATAAGAAAGATTTTATGAAACTGAGACCTGGAGAAAAAAGGAGAAAAAAT[C>A]TTCAGTTATTGAAGGACATGCAAAGCATACAGAATTCATTACAAAGCAGTAGTTTGTGTT-3'
Protein context (NP_055494.2, residues 468-488): LRPGEKRRKN[Leu478Ile]QLLKDMQSIQ